The following is an entry in ClinVar:

ClinVar aggregate classification (germline): Pathogenic. Review status: criteria provided, multiple submitters, no conflicts (2 of 4 stars). 2 submissions from 2 submitters: Pathogenic (2). Last evaluated 2023-03-26.

Conditions:
Early-infantile DEE. Also called: Ohtahara syndrome; Early infantile epileptic encephalopathy with suppression bursts; Early infantile epileptic encephalopathy. Identifiers: Orphanet 1934, MedGen C0393706, MONDO:0800491.
Developmental and epileptic encephalopathy, 7 (DEE7). Also called: KCNQ2-Related Neonatal-Onset Developmental and Epileptic Encephalopathy (NEO-DEE); Early infantile epileptic encephalopathy 7; KCNQ2-Related Neonatal Epileptic Encephalopathy. Identifiers: Orphanet 439218, MedGen C3150986, MONDO:0013387, OMIM 613720.

Submissions (8):

Labcorp Genetics (formerly Invitae), Labcorp
Classification: Pathogenic for Early-infantile DEE. Last evaluated: 2023-03-26. Review status: criteria provided, single submitter. Criteria: Invitae Variant Classification Sherloc (09022015). Collection method: clinical testing. Allele origin: germline.
Comment: Advanced modeling of protein sequence and biophysical properties (such as structural, functional, and spatial information, amino acid conservation, physicochemical variation, residue mobility, and thermodynamic stability) performed at Invitae indicates that this missense variant is expected to disrupt KCNQ2 protein function. ClinVar contains an entry for this variant (Variation ID: 1709240). This missense change has been observed in individual(s) with developmental and epileptic encephalopathy (PMID: 27779742, 29588952). In at least one individual the variant was observed to be de novo. This variant is not present in population databases (gnomAD no frequency). This sequence change replaces tyrosine, which is neutral and polar, with histidine, which is basic and polar, at codon 284 of the KCNQ2 protein (p.Tyr284His). For these reasons, this variant has been classified as Pathogenic.

MGZ Medical Genetics Center
Classification: Pathogenic for Developmental and epileptic encephalopathy, 7. Last evaluated: 2022-02-21. Review status: criteria provided, single submitter. Criteria: ACMG Guidelines, 2015. Collection method: clinical testing. Allele origin: germline. Affected: yes. Observed: 1 variant allele.
Comment: ACMG criteria applied: PS4, PM1, PM5, PM2_SUP, PP3

Channelopathy-Associated Epilepsy Research Center
No classification provided (evidence only). Condition: Complex neurodevelopmental disorder. Review status: no classification provided. Collection method: literature only. Allele origin: not applicable. Functional consequence: Severe decrease in peak current, Severe slowing of activation, Severe hyperpolarizing shift of voltage dependence of activation. Not counted in ClinVar's aggregate classification.
ClinVar note: "not provided" was previously submitted as the classification for the variant. However, the classification appeared to be based only on an observation of functional data so it was converted to no classification on 2025-07-30.

Channelopathy-Associated Epilepsy Research Center
No classification provided (evidence only). Review status: no classification provided. Collection method: in vitro. Allele origin: not applicable. Functional consequence: Normal peak current. Not counted in ClinVar's aggregate classification.

Channelopathy-Associated Epilepsy Research Center
No classification provided (evidence only). Review status: no classification provided. Collection method: in vitro. Allele origin: not applicable. Functional consequence: Normal peak current. Not counted in ClinVar's aggregate classification.

Channelopathy-Associated Epilepsy Research Center
No classification provided (evidence only). Review status: no classification provided. Collection method: in vitro. Allele origin: not applicable. Functional consequence: Hyperpolarizing shift of voltage dependence of activation. Not counted in ClinVar's aggregate classification.

Channelopathy-Associated Epilepsy Research Center
No classification provided (evidence only). Review status: no classification provided. Collection method: in vitro. Allele origin: not applicable. Functional consequence: Increase in slope of activation. Not counted in ClinVar's aggregate classification.

Channelopathy-Associated Epilepsy Research Center
No classification provided (evidence only). Review status: no classification provided. Collection method: in vitro. Allele origin: not applicable. Functional consequence: Slowing of activation. Not counted in ClinVar's aggregate classification.

Literature cited by the submitters: PubMed 27779742 (cited by Labcorp Genetics (formerly Invitae), Labcorp); PubMed 29588952 (cited by Labcorp Genetics (formerly Invitae), Labcorp); PubMed 35104249 (cited by Channelopathy-Associated Epilepsy Research Center).

NM_172107.4(KCNQ2):c.850T>C (p.Tyr284His)

Gene: KCNQ2 (potassium voltage-gated channel subfamily Q member 2; minus strand). Cytogenetic location: 20q13.33.
Variant type: single nucleotide variant.
Coding change: c.850T>C on transcript NM_172107.4 (MANE Select); coding-DNA position 850, T replaced by C.
Protein change: p.Tyr284His; replaces tyrosine 284 with histidine.
Molecular consequence: missense variant.
Genome position (GRCh38, 1-based): chr20:63,439,675, A>G on the plus strand (T>C on the coding strand, the complement: KCNQ2 is on the minus strand). VCF-style: chr20-63439675-A-G. GRCh37 (hg19) VCF-style: chr20-62071028-A-G.
Other names: c.850T>C, p.Tyr284His (NM_001382235.1, NM_004518.6, NM_172106.3 and 2 more transcripts); short protein forms Y284H.
Identifiers: ClinVar variation 1709240 (VCV001709240.8), dbSNP rs864321706, ClinGen allele CA409652665.